The following is an entry in ClinVar:

NM_016169.4(SUFU):c.40G>A (p.Ala14Thr)

Genes: SUFU (SUFU negative regulator of hedgehog signaling; plus strand), LOC130004614 (ATAC-STARR-seq lymphoblastoid silent region 2764; plus strand). Cytogenetic location: 10q24.32.
Variant type: single nucleotide variant.
Coding change: c.40G>A on transcript NM_016169.4 (MANE Select); coding-DNA position 40, G replaced by A.
Protein change: p.Ala14Thr; replaces alanine 14 with threonine.
Molecular consequence: missense variant.
Genome position (GRCh38, 1-based): chr10:102,504,192, G>A. VCF-style: chr10-102504192-G-A. GRCh37 (hg19) VCF-style: chr10-104263949-G-A.
Other names: c.40G>A, p.Ala14Thr (NM_001178133.2); short protein forms A14T.
Identifiers: ClinVar variation 2562341 (VCV002562341.5), dbSNP rs1460606381, ClinGen allele CA377886217.
Genomic context (GRCh38, chr10:102,504,192, plus strand): 5'-GTGCCTGCCCTACGCACCCCGATGGCGGAGCTGCGGCCTAGCGGCGCCCCCGGCCCCACC[G>A]CGCCCCCGGCCCCTGGCCCGACTGCCCCCCCGGCCTTCGCTTCGCTCTTTCCCCCGGGAC-3'
Protein context (NP_057253.2, residues 4-24): LRPSGAPGPT[Ala14Thr]PPAPGPTAPP

ClinVar aggregate classification (germline): Uncertain significance. Review status: criteria provided, multiple submitters, no conflicts (2 of 4 stars). 2 submissions from 2 submitters: Uncertain significance (2). Last evaluated 2025-08-13.

Conditions:
Gorlin syndrome. Also called: Nevoid Basal Cell Carcinoma Syndrome; Basal cell nevus syndrome. Identifiers: Orphanet 377, MedGen C0004779, MONDO:0007187.
Medulloblastoma (MDB). Also called: MEDULLOBLASTOMA PREDISPOSITION SYNDROME; Medulloblastoma, somatic. Identifiers: Orphanet 616, MedGen C0025149, MeSH D008527, MONDO:0007959, OMIM 155255, HP:0002885.
Hereditary cancer-predisposing syndrome. Also called: Tumor predisposition; Hereditary neoplastic syndrome; Neoplastic Syndromes, Hereditary; Hereditary Cancer Syndrome. Identifiers: Orphanet 140162, MedGen C0027672, MeSH D009386, MONDO:0015356.

Submissions (2):

Labcorp Genetics (formerly Invitae), Labcorp
Classification: Uncertain significance for Gorlin syndrome; Medulloblastoma. Last evaluated: 2025-08-13. Review status: criteria provided, single submitter. Criteria: Invitae Variant Classification Sherloc (09022015). Collection method: clinical testing. Allele origin: germline.
Comment: This sequence change replaces alanine, which is neutral and non-polar, with threonine, which is neutral and polar, at codon 14 of the SUFU protein (p.Ala14Thr). This variant is not present in population databases (gnomAD no frequency). This variant has not been reported in the literature in individuals affected with SUFU-related conditions. ClinVar contains an entry for this variant (Variation ID: 2562341). An algorithm developed to predict the effect of missense changes on protein structure and function (PolyPhen-2) suggests that this variant is likely to be disruptive. In summary, the available evidence is currently insufficient to determine the role of this variant in disease. Therefore, it has been classified as a Variant of Uncertain Significance.

Ambry Genetics
Classification: Uncertain significance for Hereditary cancer-predisposing syndrome. Last evaluated: 2025-05-31. Review status: criteria provided, single submitter. Criteria: Ambry Variant Classification Scheme 2023. Collection method: clinical testing. Allele origin: germline.
Comment: The p.A14T variant (also known as c.40G>A), located in coding exon 1 of the SUFU gene, results from a G to A substitution at nucleotide position 40. The alanine at codon 14 is replaced by threonine, an amino acid with similar properties. This amino acid position is conserved. In addition, this alteration is predicted to be tolerated by in silico analysis. Since supporting evidence is limited at this time, the clinical significance of this alteration remains unclear.